The following is an entry in ClinVar:

NM_021831.6(AGBL5):c.2351T>G (p.Leu784Trp)

Gene: AGBL5 (AGBL carboxypeptidase 5; plus strand). Cytogenetic location: 2p23.3.
Variant type: single nucleotide variant.
Coding change: c.2351T>G on transcript NM_021831.6 (MANE Select); coding-DNA position 2351, T replaced by G.
Protein change: p.Leu784Trp; replaces leucine 784 with tryptophan.
Molecular consequence: missense variant. On other transcripts: non-coding transcript variant (2).
Genome position (GRCh38, 1-based): chr2:27,068,740, T>G. VCF-style: chr2-27068740-T-G. GRCh37 (hg19) VCF-style: chr2-27291608-T-G.
Other names: c.2351T>G, p.Leu784Trp (NM_001035506.1); short protein forms L784W.
Identifiers: ClinVar variation 2863181 (VCV002863181.3), dbSNP rs748429999, ClinGen allele CA1568193.
Genomic context (GRCh38, chr2:27,068,740, plus strand): 5'-TGGTAATCGGGAAAGGTCTGCTAGGGACTGGAGCTCGGATGCCCTGCATCAAGACTCGAT[T>G]GCAGGTAATATTTTTGGGTCTCCAGCATAGCTACTCTGGCAGAACCCAGCAAGGCACTGT-3'
Protein context (NP_068603.4, residues 774-794): GARMPCIKTR[Leu784Trp]QARPRLGRGS

ClinVar aggregate classification (germline): Uncertain significance (1 of 4 stars; one submission).

Allele frequency attached by ClinVar (database versions not stated): ExAC 0.00001; TOPMed 0.00001.
gnomAD v4.1: 1 of 1,614,120 alleles (0.000062%); highest among the groups gnomAD compares: East Asian, 0.0022%; no homozygotes.

Submission:

Labcorp Genetics (formerly Invitae), Labcorp
Classification: Uncertain significance. Last evaluated: 2024-02-26. Review status: criteria provided, single submitter. Criteria: Invitae Variant Classification Sherloc (09022015). Collection method: clinical testing. Allele origin: germline.
Comment: This sequence change replaces leucine, which is neutral and non-polar, with tryptophan, which is neutral and slightly polar, at codon 784 of the AGBL5 protein (p.Leu784Trp). This variant is present in population databases (rs748429999, gnomAD 0.006%). This variant has not been reported in the literature in individuals affected with AGBL5-related conditions. An algorithm developed to predict the effect of missense changes on protein structure and function (PolyPhen-2) suggests that this variant is likely to be disruptive. In summary, the available evidence is currently insufficient to determine the role of this variant in disease. Therefore, it has been classified as a Variant of Uncertain Significance.